The following is an entry in ClinVar:

NM_000744.7(CHRNA4):c.282C>T (p.His94=)

Genes: CHRNA4 (cholinergic receptor nicotinic alpha 4 subunit; minus strand), LOC126863087 (P300/CBP strongly-dependent group 1 enhancer GRCh37_chr20:61986832-61988031; plus strand). Cytogenetic location: 20q13.33.
Variant type: single nucleotide variant.
Coding change: c.282C>T on transcript NM_000744.7 (MANE Select); coding-DNA position 282, C replaced by T.
Protein change: p.His94=; no amino-acid change (histidine 94 retained).
Molecular consequence: synonymous variant. On other transcripts: 5 prime UTR variant (1), non-coding transcript variant (1).
Genome position (GRCh38, 1-based): chr20:63,356,076, G>A on the plus strand (C>T on the coding strand, the complement: CHRNA4 is on the minus strand). VCF-style: chr20-63356076-G-A. GRCh37 (hg19) VCF-style: chr20-61987428-G-A.
Other names: c.-265C>T (NM_001256573.2); c.282C>T (NM_000744.6).
Identifiers: ClinVar variation 1151069 (VCV001151069.13), dbSNP rs754402670, ClinGen allele CA9957877.
Genomic context (GRCh38, chr20:63,356,076, plus strand): 5'-GGGGATGCGGATGGAGGTGACATTCTCATAGTCAGCTGGGTCCCAGCGCAGCTTGTAGTC[G>A]TGCCACTCCTGGATGAGGTGGGGCGGGGGGAGGCTGCAGGGTGAGGGGTGTGGGGGAGGG-3'
Protein context (NP_000735.1, residues 84-104): TTNVWVKQEW[His94=]DYKLRWDPAD

ClinVar aggregate classification (germline): Likely benign. Review status: criteria provided, multiple submitters, no conflicts (2 of 4 stars). 3 submissions from 3 submitters: Likely benign (2). 1 of the submissions does not count toward it. Last evaluated 2026-07-01.

Conditions:
CHRNA4-related disorder. Also called: CHRNA4-related condition.
Familial sleep-related hypermotor epilepsy. Also called: Autosomal Dominant Sleep-Related Hypermotor (Hyperkinetic) Epilepsy. Identifiers: Orphanet 98784, MedGen C3696898, MONDO:0000030.

Allele frequency attached by ClinVar (database versions not stated): TOPMed 0.00001; gnomAD exomes 0.00002 and 0.00009; ExAC 0.00011.
gnomAD v4.1: 35 of 1,586,998 alleles (0.0022%); highest among the groups gnomAD compares: Admixed American, 0.038%; no homozygotes.

Submissions (3):

CeGaT Center for Human Genetics Tuebingen
Classification: Likely benign. Last evaluated: 2026-07-01. Review status: criteria provided, single submitter. Criteria: CeGaT Center For Human Genetics Tuebingen Variant Classification Criteria Version 2. Collection method: clinical testing. Allele origin: germline. Affected: yes. Observed: 1 variant allele.
Comment: CHRNA4: BP4, BP7

Labcorp Genetics (formerly Invitae), Labcorp
Classification: Likely benign. Last evaluated: 2025-10-27. Review status: criteria provided, single submitter. Criteria: Invitae Variant Classification Sherloc (09022015). Collection method: clinical testing. Allele origin: germline.

PreventionGenetics, part of Exact Sciences
Classification: Likely benign for CHRNA4-related condition. Last evaluated: 2019-11-12. Review status: no assertion criteria provided. Collection method: clinical testing. Allele origin: germline. Not counted in ClinVar's aggregate classification.
Comment: This variant is classified as likely benign based on ACMG/AMP sequence variant interpretation guidelines (Richards et al. 2015 PMID: 25741868, with internal and published modifications).